The following is an entry in ClinVar:

ClinVar aggregate classification (germline): Uncertain significance (1 of 4 stars; one submission).

gnomAD v4.1: 2 of 1,614,078 alleles (0.00012%); highest among the groups gnomAD compares: Admixed American, 0.0033%; no homozygotes.

Submission:

Labcorp Genetics (formerly Invitae), Labcorp
Classification: Uncertain significance. Last evaluated: 2024-12-31. Review status: criteria provided, single submitter. Criteria: Invitae Variant Classification Sherloc (09022015). Collection method: clinical testing. Allele origin: germline.
Comment: This sequence change replaces lysine, which is basic and polar, with arginine, which is basic and polar, at codon 980 of the NEFH protein (p.Lys980Arg). This variant is not present in population databases (gnomAD no frequency). This variant has not been reported in the literature in individuals affected with NEFH-related conditions. Invitae Evidence Modeling of protein sequence and biophysical properties (such as structural, functional, and spatial information, amino acid conservation, physicochemical variation, residue mobility, and thermodynamic stability) indicates that this missense variant is not expected to disrupt NEFH protein function with a negative predictive value of 95%. In summary, the available evidence is currently insufficient to determine the role of this variant in disease. Therefore, it has been classified as a Variant of Uncertain Significance.

NM_021076.4(NEFH):c.2939A>G (p.Lys980Arg)

Gene: NEFH (neurofilament heavy chain; plus strand). Cytogenetic location: 22q12.2.
Variant type: single nucleotide variant.
Coding change: c.2939A>G on transcript NM_021076.4 (MANE Select); coding-DNA position 2939, A replaced by G.
Protein change: p.Lys980Arg; replaces lysine 980 with arginine.
Molecular consequence: missense variant.
Genome position (GRCh38, 1-based): chr22:29,490,579, A>G. VCF-style: chr22-29490579-A-G. GRCh37 (hg19) VCF-style: chr22-29886568-A-G.
Other names: short protein forms K980R.
Identifiers: ClinVar variation 3665284 (VCV003665284.2).